The following is an entry in ClinVar:

NM_006912.6(RIT1):c.375C>T (p.Asp125=)

Gene: RIT1 (Ras like without CAAX 1; minus strand). Cytogenetic location: 1q22.
Variant type: single nucleotide variant.
Coding change: c.375C>T on transcript NM_006912.6 (MANE Select); coding-DNA position 375, C replaced by T.
Protein change: p.Asp125=; no amino-acid change (aspartic acid 125 retained).
Molecular consequence: synonymous variant.
Genome position (GRCh38, 1-based): chr1:155,904,365, G>A on the plus strand (C>T on the coding strand, the complement: RIT1 is on the minus strand). VCF-style: chr1-155904365-G-A. GRCh37 (hg19) VCF-style: chr1-155874156-G-A.
Other names: p.Asp125=; c.267C>T, p.Asp89= (NM_001256820.2); c.426C>T, p.Asp142= (NM_001256821.2).
Identifiers: ClinVar variation 197790 (VCV000197790.37), dbSNP rs34831194, ClinGen allele CA203089.

ClinVar aggregate classification (germline): Benign. Review status: criteria provided, multiple submitters, no conflicts (2 of 4 stars). 14 submissions from 14 submitters: Benign (14). Last evaluated 2026-02-03.

Conditions:
Noonan syndrome and Noonan-related syndrome. Identifiers: Orphanet 98733, MedGen C5681679, MONDO:0020297.
Cardiovascular phenotype. Identifiers: MedGen CN230736.
Noonan syndrome 8 (NS8). Identifiers: Orphanet 648, MedGen C3809233, MONDO:0014143, OMIM 615355.

Allele frequency attached by ClinVar (database versions not stated): gnomAD exomes 0.00067 and 0.00185; ExAC 0.00240; gnomAD 0.00714 and 0.00759; TOPMed 0.00774; ESP Exome Variant Server 0.00892; 1000 Genomes Project 30x 0.00953; 1000 Genomes Project 0.00958.
gnomAD v4.1: 2,103 of 1,614,028 alleles (0.13%); highest among the groups gnomAD compares: African/African-American, 2.5%; 25 homozygotes.

Submissions (14):

Labcorp Genetics (formerly Invitae), Labcorp
Classification: Benign for Noonan syndrome 8. Last evaluated: 2026-02-03. Review status: criteria provided, single submitter. Criteria: Invitae Variant Classification Sherloc (09022015). Collection method: clinical testing. Allele origin: germline.

ARUP Laboratories, Molecular Genetics and Genomics, ARUP Laboratories
Classification: Benign for Noonan syndrome 8. Last evaluated: 2025-04-21. Review status: criteria provided, single submitter. Criteria: ARUP Molecular Germline Variant Investigation Process 2024. Collection method: clinical testing. Allele origin: germline.

Molecular Diagnostic Laboratory for Inherited Cardiovascular Disease, Montreal Heart Institute
Classification: Benign. Last evaluated: 2025-04-09. Review status: criteria provided, single submitter. Criteria: ACMG Guidelines, 2015. Collection method: clinical testing. Allele origin: germline. Affected: no.

Mayo Clinic Laboratories, Mayo Clinic
Classification: Benign. Last evaluated: 2023-05-01. Review status: criteria provided, single submitter. Criteria: ACMG Guidelines, 2015. Collection method: clinical testing. Allele origin: germline. Observed: 8 variant alleles.
Comment: BS1, BS2, BP4, BP7

Genome-Nilou Lab
Classification: Benign for Noonan syndrome 8. Last evaluated: 2023-04-11. Review status: criteria provided, single submitter. Criteria: ACMG Guidelines, 2015. Collection method: clinical testing. Allele origin: germline. Affected: no.

Genome Diagnostics Laboratory, The Hospital for Sick Children
Classification: Benign for Noonan syndrome and Noonan-related syndrome. Last evaluated: 2021-06-07. Review status: criteria provided, single submitter. Criteria: ACMG Guidelines, 2015. Collection method: clinical testing. Allele origin: germline.

Ambry Genetics
Classification: Benign for Cardiovascular phenotype. Last evaluated: 2019-01-07. Review status: criteria provided, single submitter. Criteria: Ambry Variant Classification Scheme 2023. Collection method: clinical testing. Allele origin: germline.

Genetic Services Laboratory, University of Chicago
Classification: Benign. Last evaluated: 2018-06-05. Review status: criteria provided, single submitter. Criteria: ACMG Guidelines, 2015. Collection method: clinical testing. Allele origin: germline. Affected: no.

Women's Health and Genetics/Laboratory Corporation of America, LabCorp
Classification: Benign. Last evaluated: 2017-07-04. Review status: criteria provided, single submitter. Criteria: LabCorp Variant Classification Summary - May 2015. Collection method: clinical testing. Allele origin: germline.
Comment: Variant summary: The RIT1 c.375C>T (p.Asp125Asp) variant involves the alteration of a non-conserved nucleotide, resulting in a synonymous change. 5/5 splice prediction tools predict no significant impact on normal splicing. ESE finder predicts that this variant may affect ESE site of SF2/ASF. However, these predictions have yet to be confirmed by functional studies. This variant was found in 291/121318 control chromosomes (5 homozygotes), predominantly observed in the African subpopulation at a frequency of 0.02665 (277/10394). This frequency is about 2132 times the estimated maximal expected allele frequency of a pathogenic RIT1 variant (0.0000125), suggesting this is likely a benign polymorphism found primarily in the populations of African origin. In addition, multiple clinical diagnostic laboratories/reputable databases have classified this variant as benign. Taken together, this variant is classified as benign.

GeneDx
Classification: Benign. Last evaluated: 2016-04-20. Review status: criteria provided, single submitter. Criteria: GeneDx Variant Classification (06012015). Collection method: clinical testing. Allele origin: germline. Affected: yes.
Comment: This variant is considered likely benign or benign based on one or more of the following criteria: it is a conservative change, it occurs at a poorly conserved position in the protein, it is predicted to be benign by multiple in silico algorithms, and/or has population frequency not consistent with disease.

Eurofins Ntd Llc (ga)
Classification: Benign. Last evaluated: 2015-05-18. Review status: criteria provided, single submitter. Criteria: EGL Classification Definitions 2015. Collection method: clinical testing. Allele origin: germline. Observed: 1 variant allele, 1 heterozygote.

Laboratory for Molecular Medicine, Mass General Brigham Personalized Medicine
Classification: Benign. Last evaluated: 2014-11-24. Review status: criteria provided, single submitter. Criteria: LMM Criteria. Collection method: clinical testing. Allele origin: germline. Observed: 1 variant allele.
Comment: Asp142Asp in exon 5 of RIT1: This variant is not expected to have clinical signi ficance because it does not alter an amino acid residue and is not located withi n the splice consensus sequence. It has been identified in 2.6% (115/4406) of Af rican American chromosomes from a broad population by the NHLBI Exome Sequencing Project (dbSNP rs34831194).

Breakthrough Genomics
Classification: Benign. Review status: criteria provided, single submitter. Criteria: ACMG Guidelines, 2015. Collection method: not provided. Allele origin: germline. Inheritance: Autosomal dominant inheritance. Affected: yes.

PreventionGenetics, part of Exact Sciences
Classification: Benign. Review status: criteria provided, single submitter. Criteria: ACMG Guidelines, 2015. Collection method: clinical testing. Allele origin: germline.